The following is an entry in ClinVar:

ClinVar aggregate classification (germline): Uncertain significance (1 of 4 stars; one submission).

Conditions:
Glycogen storage disease IXd (GSD9D). Also called: GSD IXd; Muscle Phosphorylase Kinase Deficiency. Identifiers: Orphanet 715, MedGen C1845151, MONDO:0010362, OMIM 300559.

Submission:

Labcorp Genetics (formerly Invitae), Labcorp
Classification: Uncertain significance for Glycogen storage disease IXd. Last evaluated: 2023-04-12. Review status: criteria provided, single submitter. Criteria: Invitae Variant Classification Sherloc (09022015). Collection method: clinical testing. Allele origin: germline.
Comment: This sequence change replaces glutamine, which is neutral and polar, with leucine, which is neutral and non-polar, at codon 1166 of the PHKA1 protein (p.Gln1166Leu). This variant is not present in population databases (gnomAD no frequency). In summary, the available evidence is currently insufficient to determine the role of this variant in disease. Therefore, it has been classified as a Variant of Uncertain Significance. An algorithm developed to predict the effect of missense changes on protein structure and function (PolyPhen-2) suggests that this variant is likely to be tolerated. This variant has not been reported in the literature in individuals affected with PHKA1-related conditions.

NM_002637.4(PHKA1):c.3497A>T (p.Gln1166Leu)

Gene: PHKA1 (phosphorylase kinase regulatory subunit alpha 1; minus strand). Cytogenetic location: Xq13.1.
Variant type: single nucleotide variant.
Coding change: c.3497A>T on transcript NM_002637.4 (MANE Select); coding-DNA position 3497, A replaced by T.
Protein change: p.Gln1166Leu; replaces glutamine 1166 with leucine.
Molecular consequence: missense variant.
Genome position (GRCh38, 1-based): chrX:72,582,399, T>A on the plus strand (A>T on the coding strand, the complement: PHKA1 is on the minus strand). VCF-style: chrX-72582399-T-A. GRCh37 (hg19) VCF-style: chrX-71802249-T-A.
Other names: c.3458A>T, p.Gln1153Leu (NM_001122670.2); c.3281A>T, p.Gln1094Leu (NM_001172436.2); short protein forms Q1094L, Q1153L, Q1166L.
Identifiers: ClinVar variation 2855604 (VCV002855604.3), dbSNP rs1207835162, ClinGen allele CA413580819.
Genomic context (GRCh38, chrX:72,582,399, plus strand): 5'-AATGTCATCAGGTTGGAGTAAAAACATTTCTCTATTGAGAAAACAACAGGTTTGCCTACC[T>A]GTTCTTGAAGGAACAAGTCATTGGCAATATGCACTATTTTTTCCACAGCAATGATGCTTC-3'
Protein context (NP_002628.2, residues 1156-1176): HIANDLFLQE[Gln1166Leu]KTLGADDTML